The following is an entry in ClinVar:

ClinVar aggregate classification (germline): Uncertain significance. Review status: criteria provided, multiple submitters, no conflicts (2 of 4 stars). 3 submissions from 3 submitters: Uncertain significance (3). Last evaluated 2025-10-25.

Conditions:
Mosaic variegated aneuploidy syndrome 1 (MVA1). Also called: Warburton-Anyane-Yeboa syndrome. Identifiers: Orphanet 1052, MedGen C1850343, MONDO:0009759, OMIM 257300.
Mosaic variegated aneuploidy syndrome. Also called: MVA SYNDROME. Identifiers: Orphanet 1052, MedGen C4551972, MONDO:0000141.
Inborn genetic diseases. Identifiers: MedGen C0950123, MeSH D030342.

Allele frequency attached by ClinVar (database versions not stated): gnomAD 0.00001; gnomAD exomes 0.00001 and 0.00002.

Submissions (3):

Ambry Genetics
Classification: Uncertain significance for Inborn genetic diseases. Last evaluated: 2025-10-25. Review status: criteria provided, single submitter. Criteria: Ambry Variant Classification Scheme 2023. Collection method: clinical testing. Allele origin: germline.
Comment: The p.S361R variant (also known as c.1083T>G), located in coding exon 9 of the BUB1B gene, results from a T to G substitution at nucleotide position 1083. The serine at codon 361 is replaced by arginine, an amino acid with dissimilar properties. This amino acid position is conserved. In addition, this alteration is predicted to be tolerated by in silico analysis. Since supporting evidence is limited at this time, the clinical significance of this alteration remains unclear.

Labcorp Genetics (formerly Invitae), Labcorp
Classification: Uncertain significance for Mosaic variegated aneuploidy syndrome 1. Last evaluated: 2025-03-09. Review status: criteria provided, single submitter. Criteria: Invitae Variant Classification Sherloc (09022015). Collection method: clinical testing. Allele origin: germline.
Comment: This sequence change replaces serine, which is neutral and polar, with arginine, which is basic and polar, at codon 361 of the BUB1B protein (p.Ser361Arg). This variant is present in population databases (no rsID available, gnomAD 0.004%). This variant has not been reported in the literature in individuals affected with BUB1B-related conditions. ClinVar contains an entry for this variant (Variation ID: 1320283). An algorithm developed to predict the effect of missense changes on protein structure and function (PolyPhen-2) suggests that this variant is likely to be disruptive. In summary, the available evidence is currently insufficient to determine the role of this variant in disease. Therefore, it has been classified as a Variant of Uncertain Significance.

St. Jude Molecular Pathology, St. Jude Children's Research Hospital
Classification: Uncertain significance for Mosaic variegated aneuploidy syndrome. Last evaluated: 2021-09-09. Review status: criteria provided, single submitter. Criteria: St. Jude Assertion Criteria 2020. Collection method: clinical testing. Allele origin: germline.
Comment: The BUB1B c.1083T>G (p.Ser361Arg) missense change has a maximum subpopulation frequency of 0.0035% in gnomAD v2.1.1. In silico tools are not in agreement about the effect of this variant on protein function, but to our knowledge these predictions have not been confirmed by functional assays. To our knowledge, this variant has not been reported in individuals with mosaic variegated aneuploidy syndrome. In summary, this variant meets criteria to be classified as of uncertain significance based on the ACMG/AMP criteria: no criteria met.

NM_001211.6(BUB1B):c.1083T>G (p.Ser361Arg)

Gene: BUB1B (BUB1 mitotic checkpoint serine/threonine kinase B; plus strand). Cytogenetic location: 15q15.1.
Variant type: single nucleotide variant.
Coding change: c.1083T>G on transcript NM_001211.6 (MANE Select); coding-DNA position 1083, T replaced by G.
Protein change: p.Ser361Arg; replaces serine 361 with arginine.
Molecular consequence: missense variant.
Genome position (GRCh38, 1-based): chr15:40,196,569, T>G. VCF-style: chr15-40196569-T-G. GRCh37 (hg19) VCF-style: chr15-40488770-T-G.
Other names: short protein forms S361R.
Identifiers: ClinVar variation 1320283 (VCV001320283.14), dbSNP rs1306309896, ClinGen allele CA391686955.